The following is an entry in ClinVar:

NM_018972.4(GDAP1):c.1045T>C (p.Leu349=)

Gene: GDAP1 (ganglioside induced differentiation associated protein 1; plus strand). Cytogenetic location: 8q21.11.
Variant type: single nucleotide variant.
Coding change: c.1045T>C on transcript NM_018972.4 (MANE Select); coding-DNA position 1045, T replaced by C.
Protein change: p.Leu349=; no amino-acid change (leucine 349 retained).
Molecular consequence: synonymous variant. On other transcripts: intron variant (1).
Genome position (GRCh38, 1-based): chr8:74,364,335, T>C. VCF-style: chr8-74364335-T-C. GRCh37 (hg19) VCF-style: chr8-75276570-T-C.
Other names: p.Leu349=; c.841T>C, p.Leu281= (NM_001040875.4); c.718T>C, p.Leu240= (NM_001362929.2, NM_001362932.2); c.871T>C, p.Leu291= (NM_001362930.2); c.694+1282T>C (NM_001362931.2).
Identifiers: ClinVar variation 241291 (VCV000241291.30), dbSNP rs368943246, ClinGen allele CA4785231.

ClinVar aggregate classification (germline): Likely benign. Review status: criteria provided, multiple submitters, no conflicts (2 of 4 stars). 4 submissions from 4 submitters: Likely benign (4). Last evaluated 2025-03-19.

Conditions:
Inborn genetic diseases. Identifiers: MedGen C0950123, MeSH D030342.
Charcot-Marie-Tooth disease type 4A. Also called: Charcot-Marie-Tooth disease, demyelinating, autosomal recessive, type 4a. Identifiers: Orphanet 99948, MedGen C1859198, MONDO:0008961, OMIM 214400.

Allele frequency attached by ClinVar (database versions not stated): TOPMed 0.00002; gnomAD 0.00003 and 0.00004; ExAC 0.00004; gnomAD exomes 0.00004; ESP Exome Variant Server 0.00008.
gnomAD v4.1: 69 of 1,613,944 alleles (0.0043%); highest among the groups gnomAD compares: East Asian, 0.027%; 1 homozygote.

Submissions (4):

Mayo Clinic Laboratories, Mayo Clinic
Classification: Likely benign. Last evaluated: 2025-03-19. Review status: criteria provided, single submitter. Criteria: ACMG Guidelines, 2015. Collection method: clinical testing. Allele origin: germline. Observed: 1 variant allele.
Comment: BP4, BP7

CeGaT Center for Human Genetics Tuebingen
Classification: Likely benign. Last evaluated: 2024-08-01. Review status: criteria provided, single submitter. Criteria: CeGaT Center For Human Genetics Tuebingen Variant Classification Criteria Version 2. Collection method: clinical testing. Allele origin: germline. Affected: yes. Observed: 1 variant allele.
Comment: GDAP1: BP4, BP7

Labcorp Genetics (formerly Invitae), Labcorp
Classification: Likely benign for Charcot-Marie-Tooth disease type 4A. Last evaluated: 2023-08-17. Review status: criteria provided, single submitter. Criteria: Invitae Variant Classification Sherloc (09022015). Collection method: clinical testing. Allele origin: germline.

Ambry Genetics
Classification: Likely benign for Inborn genetic diseases. Last evaluated: 2019-07-11. Review status: criteria provided, single submitter. Criteria: Ambry Variant Classification Scheme 2023. Collection method: clinical testing. Allele origin: germline.